The following is an entry in ClinVar:

NM_030943.4(AMN):c.296-9C>G

Gene: AMN (amnion associated transmembrane protein; plus strand). Cytogenetic location: 14q32.32.
Variant type: single nucleotide variant.
Coding change: c.296-9C>G on transcript NM_030943.4 (MANE Select); 9 bases into the intron before coding-DNA position 296, C replaced by G.
Molecular consequence: intron variant.
Genome position (GRCh38, 1-based): chr14:102,928,749, C>G. VCF-style: chr14-102928749-C-G. GRCh37 (hg19) VCF-style: chr14-103395086-C-G.
Other names: c.296-9C>G (NM_030943.3).
Identifiers: ClinVar variation 2041125 (VCV002041125.2), dbSNP rs373204347, ClinGen allele CA7359870.
Genomic context (GRCh38, chr14:102,928,749, plus strand): 5'-CGTGGCGTGGCGTGGCGTGGTGTGGCGCGGCGCTTGTTCCGTGGAGCTCAGGGATGTGCT[C>G]CGGCTCAGGCGAACCTGCCGTCTTCCGCGACTCTGACCGCTTCTCCTGGCATGACCCGCA-3'

ClinVar aggregate classification (germline): Uncertain significance. Review status: criteria provided, multiple submitters, no conflicts (2 of 4 stars). 2 submissions from 2 submitters: Uncertain significance (2). Last evaluated 2026-05-09.

Conditions:
Imerslund-Grasbeck syndrome. Also called: ENTEROCYTE COBALAMIN MALABSORPTION; ENTEROCYTE INTRINSIC FACTOR RECEPTOR, DEFECT OF; Imerslund-Gräsbeck syndrome; Megaloblastic anemia due to inborn errors of metabolism; PERNICIOUS ANEMIA, JUVENILE, DUE TO SELECTIVE INTESTINAL MALABSORPTION OF VITAMIN B12, WITH PROTEINURIA. Identifiers: Orphanet 35858, MedGen C4551825, MONDO:0009853.
AMN-related disorder. Also called: AMN-related condition.

Allele frequency attached by ClinVar (database versions not stated): 1000 Genomes Project 30x 0.00016.
gnomAD v4.1: 67 of 1,605,570 alleles (0.0042%); highest among the groups gnomAD compares: Non-Finnish European, 0.0045%; no homozygotes.

Submissions (2):

PreventionGenetics, part of Exact Sciences
Classification: Uncertain significance for AMN-related condition. Last evaluated: 2026-05-09. Review status: criteria provided, single submitter. Criteria: ACMG Guidelines, 2015. Collection method: clinical testing. Allele origin: germline.
Comment: The AMN c.296-9C>G variant is predicted to interfere with splicing. This variant is predicted to alter splicing based on available splicing prediction programs (SpliceAI, Jaganathan et al. 2019. PubMed ID: 30661751). To our knowledge, this variant has not been reported in the literature. This variant is reported in 0.010% of alleles in individuals of East Asian descent in gnomAD. At this time, the clinical significance of this variant is uncertain due to the absence of conclusive functional and genetic evidence.

Labcorp Genetics (formerly Invitae), Labcorp
Classification: Uncertain significance for Imerslund-Grasbeck syndrome. Last evaluated: 2022-02-20. Review status: criteria provided, single submitter. Criteria: Invitae Variant Classification Sherloc (09022015). Collection method: clinical testing. Allele origin: germline.
Comment: This sequence change falls in intron 4 of the AMN gene. It does not directly change the encoded amino acid sequence of the AMN protein. This variant is present in population databases (rs373204347, gnomAD 0.01%). This variant has not been reported in the literature in individuals affected with AMN-related conditions. Algorithms developed to predict the effect of sequence changes on RNA splicing suggest that this variant may disrupt the consensus splice site. In summary, the available evidence is currently insufficient to determine the role of this variant in disease. Therefore, it has been classified as a Variant of Uncertain Significance.